The following is an entry in ClinVar:

NM_018489.3(ASH1L):c.6667A>G (p.Asn2223Asp)

Gene: ASH1L (ASH1 like histone lysine methyltransferase; minus strand). Cytogenetic location: 1q22.
Variant type: single nucleotide variant.
Coding change: c.6667A>G on transcript NM_018489.3 (MANE Select); coding-DNA position 6667, A replaced by G.
Protein change: p.Asn2223Asp; replaces asparagine 2223 with aspartic acid.
Molecular consequence: missense variant.
Genome position (GRCh38, 1-based): chr1:155,370,523, T>C on the plus strand (A>G on the coding strand, the complement: ASH1L is on the minus strand). VCF-style: chr1-155370523-T-C. GRCh37 (hg19) VCF-style: chr1-155340314-T-C.
Other names: c.6682A>G, p.Asn2228Asp (NM_001366177.2); c.6667A>G (NM_018489.2); short protein forms N2223D, N2228D.
Identifiers: ClinVar variation 2692448 (VCV002692448.2), dbSNP rs2525955741, ClinGen allele CA342753689.

ClinVar aggregate classification (germline): Uncertain significance. Review status: criteria provided, multiple submitters, no conflicts (2 of 4 stars). 2 submissions from 2 submitters: Uncertain significance (2). Last evaluated 2025-01-09.

Submissions (2):

GeneDx
Classification: Uncertain significance. Last evaluated: 2025-01-09. Review status: criteria provided, single submitter. Criteria: GeneDx Variant Classification Process June 2021. Collection method: clinical testing. Allele origin: germline. Affected: yes.
Comment: Not observed at significant frequency in large population cohorts (gnomAD); In silico analysis supports that this missense variant has a deleterious effect on protein structure/function; Has not been previously published as pathogenic or benign to our knowledge

Greenwood Genetic Center Diagnostic Laboratories, Greenwood Genetic Center
Classification: Uncertain significance. Last evaluated: 2023-11-07. Review status: criteria provided, single submitter. Criteria: ACMG Guidelines, 2015. Collection method: clinical testing. Allele origin: germline. Affected: yes.
Comment: PM2, PP3, PP2